The following is an entry in ClinVar:

NM_007315.4(STAT1):c.419_422del (p.Lys140fs)

Gene: STAT1 (signal transducer and activator of transcription 1; minus strand). Cytogenetic location: 2q32.2.
Variant type: Deletion.
Coding change: c.419_422del on transcript NM_007315.4 (MANE Select); coding-DNA positions 419 to 422, 4 bases deleted (AAGA; older notation c.419_422delAAGA).
Protein change: p.Lys140fs; shifts the reading frame from lysine 140.
Molecular consequence: frameshift variant. On other transcripts: intron variant (1).
Genome position (GRCh38, 1-based): chr2:191,001,114-191,001,117, TCTT deleted on the plus strand (AAGA on the coding strand, the reverse complement: STAT1 is on the minus strand); deleting any 4 consecutive bases within chr2:191,001,114-191,001,120 gives the same sequence; the c. name uses the placement nearest the transcript's 3' end. VCF-style (leftmost placement, unchanged base first): chr2-191001113-CTCTT-C. GRCh37 (hg19) VCF-style: chr2-191865839-CTCTT-C.
Other names: c.419_422del, p.Lys140fs (NM_001384880.1, NM_001384882.1, NM_001384883.1 and 6 more transcripts); c.425_428del, p.Lys142fs (NM_001384881.1, NM_001384884.1); c.455_458del, p.Lys152fs (NM_001384891.1); c.373-1413_373-1410del (NM_001384890.1); c.419_422delAAGA (NM_007315.3); short protein forms K140fs, K142fs, K152fs.
Identifiers: ClinVar variation 523978 (VCV000523978.4), dbSNP rs755837357, ClinGen allele CA2030247.
Genomic context (GRCh38, chr2:191,001,113, plus strand): 5'-ATGTGTTTACTCAATACTCACCATAACCTTGTCCTTCACATTTCTGACTTTACTGTCAAG[CTCTT>C]TCTGTTTGTCTAACATCACTGTGCTCTGAATATTCCCCGACTGAGCCTGTAATGGGAAGG-3'

ClinVar aggregate classification (germline): Likely pathogenic (1 of 4 stars; one submission).

Submission:

GeneDx
Classification: Likely pathogenic. Last evaluated: 2018-03-07. Review status: criteria provided, single submitter. Criteria: GeneDx Variant Classification (06012015). Collection method: clinical testing. Allele origin: germline. Affected: yes.
Comment: The c.419_422delAAGA variant in the STAT1 gene has not been reported previously as a pathogenic variant nor as a benign variant, to our knowledge. The c.419_422delAAGA variant causes a frameshift starting with codon Lysine 140, changes this amino acid to a Serine residue, and creates a premature Stop codon at position 9 of the new reading frame, denoted p.Lys140SerfsX9. This variant is predicted to cause loss of normal protein function either through protein truncation or nonsense-mediated mRNA decay. The c.419_422delAAGA variant is not observed at a significant frequency in large population cohorts (Lek et al., 2016). We interpret c.419_422delAAGA as a likely pathogenic variant.